The following is an entry in ClinVar:

NM_004836.7(EIF2AK3):c.922A>G (p.Ile308Val)

Gene: EIF2AK3 (eukaryotic translation initiation factor 2 alpha kinase 3; minus strand). Cytogenetic location: 2p11.2.
Variant type: single nucleotide variant.
Coding change: c.922A>G on transcript NM_004836.7 (MANE Select); coding-DNA position 922, A replaced by G.
Protein change: p.Ile308Val; replaces isoleucine 308 with valine.
Molecular consequence: missense variant.
Genome position (GRCh38, 1-based): chr2:88,590,898, T>C on the plus strand (A>G on the coding strand, the complement: EIF2AK3 is on the minus strand). VCF-style: chr2-88590898-T-C. GRCh37 (hg19) VCF-style: chr2-88890416-T-C.
Other names: c.469A>G, p.Ile157Val (NM_001313915.2); short protein forms I157V, I308V.
Identifiers: ClinVar variation 1718856 (VCV001718856.3), dbSNP rs1468932809, ClinGen allele CA347595903.

ClinVar aggregate classification (germline): Uncertain significance (1 of 4 stars; one submission).

Allele frequency attached by ClinVar (database versions not stated): gnomAD exomes below 0.00001.
gnomAD v4.1: 2 of 1,614,126 alleles (0.00012%); highest among the groups gnomAD compares: Non-Finnish European, 0.00017%; no homozygotes.

Submission:

Labcorp Genetics (formerly Invitae), Labcorp
Classification: Uncertain significance. Last evaluated: 2022-10-05. Review status: criteria provided, single submitter. Criteria: Invitae Variant Classification Sherloc (09022015). Collection method: clinical testing. Allele origin: germline.
Comment: This sequence change replaces isoleucine, which is neutral and non-polar, with valine, which is neutral and non-polar, at codon 308 of the EIF2AK3 protein (p.Ile308Val). This variant is present in population databases (no rsID available, gnomAD 0.0009%). This variant has not been reported in the literature in individuals affected with EIF2AK3-related conditions. Algorithms developed to predict the effect of missense changes on protein structure and function (SIFT, PolyPhen-2, Align-GVGD) all suggest that this variant is likely to be tolerated. In summary, the available evidence is currently insufficient to determine the role of this variant in disease. Therefore, it has been classified as a Variant of Uncertain Significance.